The following is an entry in ClinVar:

ClinVar aggregate classification (germline): Uncertain significance. Review status: criteria provided, multiple submitters, no conflicts (2 of 4 stars). 2 submissions from 2 submitters: Uncertain significance (2). Last evaluated 2025-01-14.

Conditions:
Hereditary cancer-predisposing syndrome. Also called: Hereditary neoplastic syndrome; Neoplastic Syndromes, Hereditary; Tumor predisposition; Hereditary Cancer Syndrome. Identifiers: Orphanet 140162, MedGen C0027672, MeSH D009386, MONDO:0015356.
Rhabdoid tumor predisposition syndrome 2 (RTPS2). Identifiers: Orphanet 231108, Orphanet 69077, MedGen C2750074, MONDO:0013224, OMIM 613325.

Submissions (2):

Ambry Genetics
Classification: Uncertain significance for Hereditary cancer-predisposing syndrome. Last evaluated: 2025-01-14. Review status: criteria provided, single submitter. Criteria: Ambry Variant Classification Scheme 2023. Collection method: clinical testing. Allele origin: germline.
Comment: The p.P1656R variant (also known as c.4967C>G), located in coding exon 34 of the SMARCA4 gene, results from a C to G substitution at nucleotide position 4967. The proline at codon 1656 is replaced by arginine, an amino acid with dissimilar properties. This amino acid position is conserved. In addition, this alteration is predicted to be deleterious by in silico analysis. Based on the available evidence, the clinical significance of this variant remains unclear.

Labcorp Genetics (formerly Invitae), Labcorp
Classification: Uncertain significance for Rhabdoid tumor predisposition syndrome 2. Last evaluated: 2021-03-08. Review status: criteria provided, single submitter. Criteria: Invitae Variant Classification Sherloc (09022015). Collection method: clinical testing. Allele origin: germline.
Comment: In summary, the available evidence is currently insufficient to determine the role of this variant in disease. Therefore, it has been classified as a Variant of Uncertain Significance. Algorithms developed to predict the effect of missense changes on protein structure and function (SIFT, PolyPhen-2, Align-GVGD) all suggest that this variant is likely to be disruptive, but these predictions have not been confirmed by published functional studies and their clinical significance is uncertain. This variant has not been reported in the literature in individuals with SMARCA4-related conditions. This variant is not present in population databases (ExAC no frequency). This sequence change replaces proline with arginine at codon 1656 of the SMARCA4 protein (p.Pro1656Arg). The proline residue is highly conserved and there is a moderate physicochemical difference between proline and arginine.

NM_003072.5(SMARCA4):c.4871C>G (p.Pro1624Arg)

Gene: SMARCA4 (SWI/SNF related BAF chromatin remodeling complex subunit ATPase 4; plus strand). Cytogenetic location: 19p13.2.
Variant type: single nucleotide variant.
Coding change: c.4871C>G on transcript NM_003072.5 (MANE Select); coding-DNA position 4871, C replaced by G.
Protein change: p.Pro1624Arg; replaces proline 1624 with arginine.
Molecular consequence: missense variant. On other transcripts: non-coding transcript variant (1).
Genome position (GRCh38, 1-based): chr19:11,060,147, C>G. VCF-style: chr19-11060147-C-G. GRCh37 (hg19) VCF-style: chr19-11170823-C-G.
Other names: c.4871C>G, p.Pro1624Arg (NM_001128844.3); c.4781C>G, p.Pro1594Arg (NM_001128845.2); c.4778C>G, p.Pro1593Arg (NM_001128846.2); c.4772C>G, p.Pro1591Arg (NM_001128847.4, NM_001374457.1); c.4769C>G, p.Pro1590Arg (NM_001128848.2); c.4967C>G, p.Pro1656Arg (NM_001128849.3); short protein forms P1624R, P1656R, P1591R, P1593R, P1590R, P1594R.
Identifiers: ClinVar variation 949162 (VCV000949162.10), dbSNP rs756255060, ClinGen allele CA404080824.